The following is an entry in ClinVar:

ClinVar aggregate classification (germline): Uncertain significance (1 of 4 stars; one submission).

Allele frequency attached by ClinVar (database versions not stated): gnomAD exomes 0.00001; ExAC 0.00002; gnomAD 0.00010; TOPMed 0.00011; ESP Exome Variant Server 0.00015.

Submission:

Labcorp Genetics (formerly Invitae), Labcorp
Classification: Uncertain significance. Last evaluated: 2022-07-27. Review status: criteria provided, single submitter. Criteria: Invitae Variant Classification Sherloc (09022015). Collection method: clinical testing. Allele origin: germline.
Comment: This sequence change replaces methionine, which is neutral and non-polar, with valine, which is neutral and non-polar, at codon 1053 of the EIF2AK3 protein (p.Met1053Val). This variant is present in population databases (rs141166027, gnomAD 0.03%). This variant has not been reported in the literature in individuals affected with EIF2AK3-related conditions. Algorithms developed to predict the effect of missense changes on protein structure and function (SIFT, PolyPhen-2, Align-GVGD) all suggest that this variant is likely to be tolerated. In summary, the available evidence is currently insufficient to determine the role of this variant in disease. Therefore, it has been classified as a Variant of Uncertain Significance.

NM_004836.7(EIF2AK3):c.3157A>G (p.Met1053Val)

Genes: EIF2AK3 (eukaryotic translation initiation factor 2 alpha kinase 3; minus strand), EIF2AK3-AS1 (EIF2AK3 antisense RNA 1; plus strand). Cytogenetic location: 2p11.2.
Variant type: single nucleotide variant.
Coding change: c.3157A>G on transcript NM_004836.7 (MANE Select); coding-DNA position 3157, A replaced by G.
Protein change: p.Met1053Val; replaces methionine 1053 with valine.
Molecular consequence: missense variant.
Genome position (GRCh38, 1-based): chr2:88,557,930, T>C on the plus strand (A>G on the coding strand, the complement: EIF2AK3 is on the minus strand). VCF-style: chr2-88557930-T-C. GRCh37 (hg19) VCF-style: chr2-88857448-T-C.
Other names: c.2704A>G, p.Met902Val (NM_001313915.2); short protein forms M1053V, M902V.
Identifiers: ClinVar variation 2420236 (VCV002420236.3), dbSNP rs141166027, ClinGen allele CA1754298.